The following is an entry in ClinVar:

NM_000702.4(ATP1A2):c.1741T>C (p.Cys581Arg)

Gene: ATP1A2 (ATPase Na+/K+ transporting subunit alpha 2; plus strand). Cytogenetic location: 1q23.2.
Variant type: single nucleotide variant.
Coding change: c.1741T>C on transcript NM_000702.4 (MANE Select); coding-DNA position 1741, T replaced by C.
Protein change: p.Cys581Arg; replaces cysteine 581 with arginine.
Molecular consequence: missense variant.
Genome position (GRCh38, 1-based): chr1:160,130,511, T>C. VCF-style: chr1-160130511-T-C. GRCh37 (hg19) VCF-style: chr1-160100301-T-C.
Other names: short protein forms C581R.
Identifiers: ClinVar variation 2068586 (VCV002068586.4), dbSNP rs1651739345, ClinGen allele CA343244293.

ClinVar aggregate classification (germline): Uncertain significance (1 of 4 stars; one submission).

Conditions:
Familial hemiplegic migraine. Identifiers: MedGen C0338484, MONDO:0000700.

Submission:

Labcorp Genetics (formerly Invitae), Labcorp
Classification: Uncertain significance for Familial hemiplegic migraine. Last evaluated: 2022-01-15. Review status: criteria provided, single submitter. Criteria: Invitae Variant Classification Sherloc (09022015). Collection method: clinical testing. Allele origin: germline.
Comment: This variant is not present in population databases (gnomAD no frequency). This variant has not been reported in the literature in individuals affected with ATP1A2-related conditions. This sequence change replaces cysteine, which is neutral and slightly polar, with arginine, which is basic and polar, at codon 581 of the ATP1A2 protein (p.Cys581Arg). In summary, the available evidence is currently insufficient to determine the role of this variant in disease. Therefore, it has been classified as a Variant of Uncertain Significance. Advanced modeling of protein sequence and biophysical properties (such as structural, functional, and spatial information, amino acid conservation, physicochemical variation, residue mobility, and thermodynamic stability) performed at Invitae indicates that this missense variant is not expected to disrupt ATP1A2 protein function.